The following is an entry in ClinVar:

ClinVar aggregate classification (germline): Uncertain significance. Review status: criteria provided, multiple submitters, no conflicts (2 of 4 stars). 2 submissions from 2 submitters: Uncertain significance (2). Last evaluated 2025-10-18.

Conditions:
Epidermolysis bullosa simplex 5B, with muscular dystrophy (EBS5B). Also called: Epidermolysis bullosa simplex with muscular dystrophy; EPIDERMOLYSIS BULLOSA SIMPLEX AND LIMB-GIRDLE MUSCULAR DYSTROPHY. Identifiers: Orphanet 257, MedGen C2931072, MONDO:0009181, OMIM 226670.
Epidermolysis bullosa simplex, Ogna type (EBS5A). Also called: Pidermolysis bullosa simplex 5A, Ogna type; EPIDERMOLYSIS BULLOSA SIMPLEX 5A, OGNA TYPE. Identifiers: Orphanet 79401, MedGen C0432317, MONDO:0007555, OMIM 131950.
Autosomal recessive limb-girdle muscular dystrophy type 2Q (LGMDR17). Also called: MUSCULAR DYSTROPHY, LIMB-GIRDLE, AUTOSOMAL RECESSIVE 17. Identifiers: Orphanet 254361, MedGen C3150989, MONDO:0013390, OMIM 613723.
Epidermolysis bullosa simplex with nail dystrophy (EBS5D). Identifiers: MedGen C4225309, MONDO:0014661, OMIM 616487.
Epidermolysis bullosa simplex 5C, with pyloric atresia (EBS5C). Also called: Epidermolysis bullosa simplex with pyloric atresia; PLEC-Related Epidermolysis Bullosa with Pyloric Atresia; PLEC1-Related Epidermolysis Bullosa with Pyloric Atresia. Identifiers: Orphanet 158684, MedGen C2677349, MONDO:0012807, OMIM 612138.

Allele frequency attached by ClinVar (database versions not stated): ExAC 0.00003; gnomAD exomes 0.00005 and 0.00008; TOPMed 0.00005; gnomAD 0.00006.
gnomAD v4.1: 126 of 1,609,708 alleles (0.0078%); highest among the groups gnomAD compares: East Asian, 0.013%; no homozygotes.

Submissions (2):

Labcorp Genetics (formerly Invitae), Labcorp
Classification: Uncertain significance for Autosomal recessive limb-girdle muscular dystrophy type 2Q; Epidermolysis bullosa simplex, Ogna type; Epidermolysis bullosa simplex with nail dystrophy; Epidermolysis bullosa simplex 5C, with pyloric atresia; Epidermolysis bullosa simplex 5B, with muscular dystrophy. Last evaluated: 2025-10-18. Review status: criteria provided, single submitter. Criteria: Invitae Variant Classification Sherloc (09022015). Collection method: clinical testing. Allele origin: germline.
Comment: This sequence change replaces arginine, which is basic and polar, with glutamine, which is neutral and polar, at codon 3102 of the PLEC protein (p.Arg3102Gln). This variant is present in population databases (rs782713256, gnomAD 0.01%). This variant has not been reported in the literature in individuals affected with PLEC-related conditions. ClinVar contains an entry for this variant (Variation ID: 1378922). An algorithm developed to predict the effect of missense changes on protein structure and function (PolyPhen-2) suggests that this variant is likely to be tolerated. In summary, the available evidence is currently insufficient to determine the role of this variant in disease. Therefore, it has been classified as a Variant of Uncertain Significance.

Revvity Omics, Revvity
Classification: Uncertain significance. Last evaluated: 2024-05-13. Review status: criteria provided, single submitter. Criteria: ACMG Guidelines, 2015. Collection method: clinical testing. Allele origin: germline.

NM_201384.3(PLEC):c.9224G>A (p.Arg3075Gln)

Gene: PLEC (plectin; minus strand). Cytogenetic location: 8q24.3.
Variant type: single nucleotide variant.
Coding change: c.9224G>A on transcript NM_201384.3 (MANE Select); coding-DNA position 9224, G replaced by A.
Protein change: p.Arg3075Gln; replaces arginine 3075 with glutamine.
Molecular consequence: missense variant.
Genome position (GRCh38, 1-based): chr8:143,920,597, C>T on the plus strand (G>A on the coding strand, the complement: PLEC is on the minus strand). VCF-style: chr8-143920597-C-T. GRCh37 (hg19) VCF-style: chr8-144994765-C-T.
Other names: c.9305G>A, p.Arg3102Gln (NM_000445.5); c.9182G>A, p.Arg3061Gln (NM_201378.4); c.9158G>A, p.Arg3053Gln (NM_201379.3); c.9635G>A, p.Arg3212Gln (NM_201380.4); c.9128G>A, p.Arg3043Gln (NM_201381.3); c.9224G>A, p.Arg3075Gln (NM_201382.4); c.9236G>A, p.Arg3079Gln (NM_201383.3); short protein forms R3061Q, R3075Q, R3079Q, R3212Q, R3053Q, R3043Q, R3102Q.
Identifiers: ClinVar variation 1378922 (VCV001378922.9), dbSNP rs782713256, ClinGen allele CA4925030.